The following is an entry in ClinVar:

NM_024120.5(NDUFAF5):c.505A>G (p.Arg169Gly)

Gene: NDUFAF5 (NADH:ubiquinone oxidoreductase complex assembly factor 5; plus strand). Cytogenetic location: 20p12.1.
Variant type: single nucleotide variant.
Coding change: c.505A>G on transcript NM_024120.5 (MANE Select); coding-DNA position 505, A replaced by G.
Protein change: p.Arg169Gly; replaces arginine 169 with glycine.
Molecular consequence: missense variant. On other transcripts: 5 prime UTR variant (2), non-coding transcript variant (7).
Genome position (GRCh38, 1-based): chr20:13,798,486, A>G. VCF-style: chr20-13798486-A-G. GRCh37 (hg19) VCF-style: chr20-13779132-A-G.
Other names: c.421A>G, p.Arg141Gly (NM_001039375.3); c.34A>G, p.Arg12Gly (NM_001352403.2); c.-57A>G (NM_001352406.2, NM_001352407.2); c.505A>G, p.Arg169Gly (NM_001352408.2); c.505A>G (NM_024120.4); short protein forms R12G, R169G, R141G.
Identifiers: ClinVar variation 2165258 (VCV002165258.5), dbSNP rs144076410, ClinGen allele CA311384245.

ClinVar aggregate classification (germline): Uncertain significance. Review status: criteria provided, multiple submitters, no conflicts (2 of 4 stars). 2 submissions from 2 submitters: Uncertain significance (2). Last evaluated 2025-12-16.

Conditions:
Inborn genetic diseases. Identifiers: MedGen C0950123, MeSH D030342.

Allele frequency attached by ClinVar (database versions not stated): gnomAD exomes below 0.00001; gnomAD 0.00001; ESP Exome Variant Server 0.00008.
gnomAD v4.1: 3 of 1,611,210 alleles (0.00019%); highest among the groups gnomAD compares: Admixed American, 0.0033%; no homozygotes.

Submissions (2):

Ambry Genetics
Classification: Uncertain significance for Inborn genetic diseases. Last evaluated: 2025-12-16. Review status: criteria provided, single submitter. Criteria: Ambry Variant Classification Scheme 2023. Collection method: clinical testing. Allele origin: germline.

Labcorp Genetics (formerly Invitae), Labcorp
Classification: Uncertain significance. Last evaluated: 2022-11-08. Review status: criteria provided, single submitter. Criteria: Invitae Variant Classification Sherloc (09022015). Collection method: clinical testing. Allele origin: germline.
Comment: In summary, the available evidence is currently insufficient to determine the role of this variant in disease. Therefore, it has been classified as a Variant of Uncertain Significance. Algorithms developed to predict the effect of missense changes on protein structure and function output the following: SIFT: "Tolerated"; PolyPhen-2: "Benign"; Align-GVGD: "Class C0". The glycine amino acid residue is found in multiple mammalian species, which suggests that this missense change does not adversely affect protein function. This variant has not been reported in the literature in individuals affected with NDUFAF5-related conditions. This variant is present in population databases (rs144076410, gnomAD 0.006%). This sequence change replaces arginine, which is basic and polar, with glycine, which is neutral and non-polar, at codon 169 of the NDUFAF5 protein (p.Arg169Gly).